The following is an entry in ClinVar:

NM_177924.5(ASAH1):c.235T>A (p.Ser79Thr)

Gene: ASAH1 (N-acylsphingosine amidohydrolase 1; minus strand). Cytogenetic location: 8p22.
Variant type: single nucleotide variant.
Coding change: c.235T>A on transcript NM_177924.5 (MANE Select); coding-DNA position 235, T replaced by A.
Protein change: p.Ser79Thr; replaces serine 79 with threonine.
Molecular consequence: missense variant. On other transcripts: intron variant (1).
Genome position (GRCh38, 1-based): chr8:18,069,860, A>T on the plus strand (T>A on the coding strand, the complement: ASAH1 is on the minus strand). VCF-style: chr8-18069860-A-T. GRCh37 (hg19) VCF-style: chr8-17927369-A-T.
Other names: c.40T>A, p.Ser14Thr (NM_001363743.2); c.283T>A, p.Ser95Thr (NM_004315.6); c.285+1440T>A (NM_001127505.3); short protein forms S14T, S79T, S95T.
Identifiers: ClinVar variation 1384864 (VCV001384864.8), dbSNP rs770225185, ClinGen allele CA4650955.

ClinVar aggregate classification (germline): Uncertain significance (1 of 4 stars; one submission).

Allele frequency attached by ClinVar (database versions not stated): gnomAD exomes below 0.00001; ExAC 0.00001.
gnomAD v4.1: 2 of 1,586,584 alleles (0.00013%); highest among the groups gnomAD compares: Non-Finnish European, 0.00017%; no homozygotes.

Submission:

Labcorp Genetics (formerly Invitae), Labcorp
Classification: Uncertain significance. Last evaluated: 2021-04-04. Review status: criteria provided, single submitter. Criteria: Invitae Variant Classification Sherloc (09022015). Collection method: clinical testing. Allele origin: germline.
Comment: Algorithms developed to predict the effect of missense changes on protein structure and function output the following: SIFT: "Tolerated"; PolyPhen-2: "Benign"; Align-GVGD: "Class C0". The threonine amino acid residue is found in multiple mammalian species, suggesting that this missense change does not adversely affect protein function. These predictions have not been confirmed by published functional studies and their clinical significance is uncertain. In summary, the available evidence is currently insufficient to determine the role of this variant in disease. Therefore, it has been classified as a Variant of Uncertain Significance. This variant has not been reported in the literature in individuals with ASAH1-related conditions. This variant is present in population databases (rs770225185, ExAC 0.002%). This sequence change replaces serine with threonine at codon 79 of the ASAH1 protein (p.Ser79Thr). The serine residue is moderately conserved and there is a small physicochemical difference between serine and threonine.